The following is an entry in ClinVar:

NM_004252.5(NHERF1):c.337G>C (p.Ala113Pro)

Genes: NHERF1 (NHERF family PDZ scaffold protein 1; plus strand), SLC9A3R1-AS1 (SLC9A3R1 antisense RNA 1; minus strand). Cytogenetic location: 17q25.1.
Variant type: single nucleotide variant.
Coding change: c.337G>C on transcript NM_004252.5 (MANE Select); coding-DNA position 337, G replaced by C.
Protein change: p.Ala113Pro; replaces alanine 113 with proline.
Molecular consequence: missense variant. On other transcripts: non-coding transcript variant (1).
Genome position (GRCh38, 1-based): chr17:74,749,183, G>C. VCF-style: chr17-74749183-G-C. GRCh37 (hg19) VCF-style: chr17-72745322-G-C.
Other names: short protein forms A113P.
Identifiers: ClinVar variation 2909281 (VCV002909281.3), dbSNP rs1007573140, ClinGen allele CA293925001.

ClinVar aggregate classification (germline): Uncertain significance (1 of 4 stars; one submission).

Allele frequency attached by ClinVar (database versions not stated): gnomAD 0.00001; TOPMed 0.00005.
gnomAD v4.1: 17 of 1,529,278 alleles (0.0011%); highest among the groups gnomAD compares: Admixed American, 0.002%; no homozygotes.

Submission:

Labcorp Genetics (formerly Invitae), Labcorp
Classification: Uncertain significance. Last evaluated: 2023-12-06. Review status: criteria provided, single submitter. Criteria: Invitae Variant Classification Sherloc (09022015). Collection method: clinical testing. Allele origin: germline.
Comment: This sequence change replaces alanine, which is neutral and non-polar, with proline, which is neutral and non-polar, at codon 113 of the SLC9A3R1 protein (p.Ala113Pro). This variant is present in population databases (no rsID available, gnomAD 0.002%). This variant has not been reported in the literature in individuals affected with SLC9A3R1-related conditions. Algorithms developed to predict the effect of missense changes on protein structure and function output the following: SIFT: "Not Available"; PolyPhen-2: "Benign"; Align-GVGD: "Not Available". The proline amino acid residue is found in multiple mammalian species, which suggests that this missense change does not adversely affect protein function. In summary, the available evidence is currently insufficient to determine the role of this variant in disease. Therefore, it has been classified as a Variant of Uncertain Significance.